The following is an entry in ClinVar:

ClinVar aggregate classification (germline): Uncertain significance (1 of 4 stars; one submission).

Conditions:
Arrhythmogenic right ventricular cardiomyopathy (ARVD). Also called: Arrhythmogenic right ventricular dysplasia; Cardiomyopathy, ARVC; Arrhythmogenic cardiomyopathy; Arrhythmogenic Right Ventricular Cardiomyopathy (ARVC). Identifiers: Orphanet 247, MedGen C0349788, MeSH D019571, MONDO:0016587. Disease mechanism: loss of function. Inheritance: Various modes of inheritance.

Submission:

All of Us Research Program, National Institutes of Health
Classification: Uncertain significance for Arrhythmogenic right ventricular cardiomyopathy. Last evaluated: 2023-12-18. Review status: criteria provided, single submitter. Criteria: ACMG Guidelines, 2015. Collection method: clinical testing. Allele origin: germline. Inheritance: Autosomal dominant inheritance. Observed: 1 variant allele, 1 heterozygote.
Comment: This missense variant replaces serine with glycine at codon 22 of the DSG2 protein. Computational prediction suggests that this variant may not impact protein structure and function (internally defined REVEL score threshold <= 0.5, PMID: 27666373). To our knowledge, functional studies have not been reported for this variant. This variant has not been reported in individuals affected with DSG2-related disorders in the literature. This variant has not been identified in the general population by the Genome Aggregation Database (gnomAD). The available evidence is insufficient to determine the role of this variant in disease conclusively. Therefore, this variant is classified as a Variant of Uncertain Significance.

This study involves interpretation of variants in research participants for the purpose of population health screening. Participant phenotype was not available at the time of variant classification. Additional details can be found in publication PMID: 35346344, PMCID: PMC8962531

NM_001943.5(DSG2):c.64A>G (p.Ser22Gly)

Gene: DSG2 (desmoglein 2; plus strand). Cytogenetic location: 18q12.1.
Variant type: single nucleotide variant.
Coding change: c.64A>G on transcript NM_001943.5 (MANE Select); coding-DNA position 64, A replaced by G.
Protein change: p.Ser22Gly; replaces serine 22 with glycine.
Molecular consequence: missense variant.
Genome position (GRCh38, 1-based): chr18:31,518,257, A>G. VCF-style: chr18-31518257-A-G. GRCh37 (hg19) VCF-style: chr18-29098220-A-G.
Other names: short protein forms S22G.
Identifiers: ClinVar variation 3075198 (VCV003075198.1), dbSNP rs2510909544, ClinGen allele CA402129876.